The following is an entry in ClinVar:

ClinVar aggregate classification (germline): Benign/Likely benign. Review status: criteria provided, multiple submitters, no conflicts (2 of 4 stars). 9 submissions from 8 submitters: Benign (5); Likely benign (3). 1 of the submissions does not count toward it. Last evaluated 2026-02-02.

Conditions:
NOTCH1-related disorder. Also called: NOTCH1-related disorders; NOTCH1-related condition.
Aortic valve disease 1 (AOVD1). Identifiers: MedGen C3887892, MONDO:0024523, OMIM 109730.
Familial thoracic aortic aneurysm and aortic dissection (TAAD). Also called: Thoracic aortic aneurysms and dissections. Identifiers: Orphanet 91387, MedGen C4707243, MONDO:0019625.
Adams-Oliver syndrome 5 (AOS5). Identifiers: Orphanet 974, MedGen C4014970, MONDO:0014459, OMIM 616028.

Allele frequency attached by ClinVar (database versions not stated): 1000 Genomes Project 0.00459; ESP Exome Variant Server 0.00476; gnomAD 0.00484; 1000 Genomes Project 30x 0.00500; TOPMed 0.00563.
gnomAD v4.1: 1,462 of 1,606,230 alleles (0.091%); highest among the groups gnomAD compares: African/African-American, 1.8%; 15 homozygotes.

Submissions (9):

Labcorp Genetics (formerly Invitae), Labcorp
Classification: Benign for Adams-Oliver syndrome 5. Last evaluated: 2026-02-02. Review status: criteria provided, single submitter. Criteria: Invitae Variant Classification Sherloc (09022015). Collection method: clinical testing. Allele origin: germline.

Women's Health and Genetics/Laboratory Corporation of America, LabCorp
Classification: Likely benign. Last evaluated: 2023-07-21. Review status: criteria provided, single submitter. Criteria: LabCorp Variant Classification Summary - May 2015. Collection method: clinical testing. Allele origin: germline.

Genome-Nilou Lab
Classification: Benign for Adams-Oliver syndrome 5. Last evaluated: 2022-03-15. Review status: criteria provided, single submitter. Criteria: ACMG Guidelines, 2015. Collection method: clinical testing. Allele origin: germline. Affected: no.

Genome-Nilou Lab
Classification: Benign for Aortic valve disease 1. Last evaluated: 2022-03-15. Review status: criteria provided, single submitter. Criteria: ACMG Guidelines, 2015. Collection method: clinical testing. Allele origin: germline. Affected: no.

GeneDx
Classification: Benign. Last evaluated: 2017-01-05. Review status: criteria provided, single submitter. Criteria: GeneDx Variant Classification (06012015). Collection method: clinical testing. Allele origin: germline. Affected: yes.
Comment: This variant is considered likely benign or benign based on one or more of the following criteria: it is a conservative change, it occurs at a poorly conserved position in the protein, it is predicted to be benign by multiple in silico algorithms, and/or has population frequency not consistent with disease.

CHEO Genetics Diagnostic Laboratory, Children's Hospital of Eastern Ontario
Classification: Likely benign for Familial thoracic aortic aneurysm and aortic dissection. Last evaluated: 2016-08-12. Review status: criteria provided, single submitter. Criteria: ACMG Guidelines, 2015. Collection method: clinical testing. Allele origin: germline. Study: Canadian Open Genetics Repository.

Ambry Genetics
Classification: Benign for Familial thoracic aortic aneurysm and aortic dissection. Last evaluated: 2015-12-10. Review status: criteria provided, single submitter. Criteria: Ambry Variant Classification Scheme 2023. Collection method: clinical testing. Allele origin: germline.

Breakthrough Genomics
Classification: Likely benign. Review status: criteria provided, single submitter. Criteria: ACMG Guidelines, 2015. Collection method: not provided. Allele origin: germline. Inheritance: Autosomal dominant inheritance. Affected: yes.

PreventionGenetics, part of Exact Sciences
Classification: Benign for NOTCH1-related condition. Last evaluated: 2019-04-29. Review status: no assertion criteria provided. Collection method: clinical testing. Allele origin: germline. Not counted in ClinVar's aggregate classification.
Comment: This variant is classified as benign based on ACMG/AMP sequence variant interpretation guidelines (Richards et al. 2015 PMID: 25741868, with internal and published modifications).

Literature cited by the submitters: PubMed 24943832 (cited by Women's Health and Genetics/Laboratory Corporation of America, LabCorp); PubMed 16614245 (cited by Women's Health and Genetics/Laboratory Corporation of America, LabCorp); PubMed 21670202 (cited by Women's Health and Genetics/Laboratory Corporation of America, LabCorp); PubMed 22210878 (cited by Women's Health and Genetics/Laboratory Corporation of America, LabCorp); PubMed 19635999 (cited by Women's Health and Genetics/Laboratory Corporation of America, LabCorp); PubMed 26837699 (cited by Women's Health and Genetics/Laboratory Corporation of America, LabCorp); PubMed 23086750 (cited by Women's Health and Genetics/Laboratory Corporation of America, LabCorp); PubMed 19245433 (cited by Women's Health and Genetics/Laboratory Corporation of America, LabCorp); PubMed 22077063 (cited by Women's Health and Genetics/Laboratory Corporation of America, LabCorp); PubMed 15472075 (cited by Women's Health and Genetics/Laboratory Corporation of America, LabCorp); PubMed 23734977 (cited by Women's Health and Genetics/Laboratory Corporation of America, LabCorp); PubMed 22858860 (cited by Women's Health and Genetics/Laboratory Corporation of America, LabCorp).

NM_017617.5(NOTCH1):c.6397C>T (p.Pro2133Ser)

Gene: NOTCH1 (notch receptor 1; minus strand). Cytogenetic location: 9q34.3.
Variant type: single nucleotide variant.
Coding change: c.6397C>T on transcript NM_017617.5 (MANE Select); coding-DNA position 6397, C replaced by T.
Protein change: p.Pro2133Ser; replaces proline 2133 with serine.
Molecular consequence: missense variant.
Genome position (GRCh38, 1-based): chr9:136,497,342, G>A on the plus strand (C>T on the coding strand, the complement: NOTCH1 is on the minus strand). VCF-style: chr9-136497342-G-A. GRCh37 (hg19) VCF-style: chr9-139391794-G-A.
Other names: c.6397C>T, p.Pro2133Ser (LRG_1122t1); c.6397C>T (NM_017617.4); short protein forms P2133S.
Identifiers: ClinVar variation 264614 (VCV000264614.59), dbSNP rs61733294, ClinGen allele CA5339910.